The following is an entry in ClinVar:

ClinVar aggregate classification (germline): Uncertain significance (1 of 4 stars; one submission).

gnomAD v4.1: 5 of 1,611,468 alleles (0.00031%); highest among the groups gnomAD compares: Non-Finnish European, 0.00042%; no homozygotes.

Submission:

Labcorp Genetics (formerly Invitae), Labcorp
Classification: Uncertain significance. Last evaluated: 2024-10-03. Review status: criteria provided, single submitter. Criteria: Invitae Variant Classification Sherloc (09022015). Collection method: clinical testing. Allele origin: germline.
Comment: This sequence change replaces arginine, which is basic and polar, with glycine, which is neutral and non-polar, at codon 516 of the ERBIN protein (p.Arg516Gly). This variant is not present in population databases (gnomAD no frequency). This variant has not been reported in the literature in individuals affected with ERBIN-related conditions. An algorithm developed to predict the effect of missense changes on protein structure and function (PolyPhen-2) suggests that this variant is likely to be tolerated. In summary, the available evidence is currently insufficient to determine the role of this variant in disease. Therefore, it has been classified as a Variant of Uncertain Significance.

NM_001253697.2(ERBIN):c.1546A>G (p.Arg516Gly)

Gene: ERBIN (erbb2 interacting protein; plus strand). Cytogenetic location: 5q12.3.
Variant type: single nucleotide variant.
Coding change: c.1546A>G on transcript NM_001253697.2 (MANE Select); coding-DNA position 1546, A replaced by G.
Protein change: p.Arg516Gly; replaces arginine 516 with glycine.
Molecular consequence: missense variant.
Genome position (GRCh38, 1-based): chr5:66,044,254, A>G. VCF-style: chr5-66044254-A-G. GRCh37 (hg19) VCF-style: chr5-65340082-A-G.
Other names: c.1546A>G, p.Arg516Gly (NM_001006600.3, NM_001253698.2, NM_001253699.2 and 2 more transcripts); short protein forms R516G.
Identifiers: ClinVar variation 3659171 (VCV003659171.2).
Genomic context (GRCh38, chr5:66,044,254, plus strand): 5'-AAAACTGTTCAAACCATTGTACATAGATTAAAAGATGAAGAGACCAATGAAGACTCAGGA[A>G]GAGATTTGAAACCACATGAAGATCAACAAGATATAAATAAAGATGTGGGTGTGAAGGTTA-3'
Protein context (NP_001240626.1, residues 506-526): KDEETNEDSG[Arg516Gly]DLKPHEDQQD